The following is an entry in ClinVar:

ClinVar aggregate classification (germline): Uncertain significance. Review status: criteria provided, multiple submitters, no conflicts (2 of 4 stars). 2 submissions from 2 submitters: Uncertain significance (2). Last evaluated 2024-10-08.

Conditions:
Primary ciliary dyskinesia 23 (CILD23). Also called: CILIARY DYSKINESIA, PRIMARY, 23, WITH OR WITHOUT SITUS INVERSUS. Identifiers: Orphanet 244, MedGen C3809548, MONDO:0014193, OMIM 615451.
Primary ciliary dyskinesia. Also called: Ciliary dyskinesia. Identifiers: Orphanet 244, MedGen C0008780, MONDO:0016575, HP:0012265.

Allele frequency attached by ClinVar (database versions not stated): TOPMed 0.00003; ExAC 0.00005; gnomAD 0.00005; gnomAD exomes 0.00005 and 0.00007; ESP Exome Variant Server 0.00008.
gnomAD v4.1: 113 of 1,614,040 alleles (0.007%); highest among the groups gnomAD compares: East Asian, 0.011%; no homozygotes.

Submissions (2):

Ambry Genetics
Classification: Uncertain significance for Primary ciliary dyskinesia. Last evaluated: 2024-10-08. Review status: criteria provided, single submitter. Criteria: Ambry Variant Classification Scheme 2023. Collection method: clinical testing. Allele origin: germline.

Labcorp Genetics (formerly Invitae), Labcorp
Classification: Uncertain significance for Primary ciliary dyskinesia 23. Last evaluated: 2022-04-22. Review status: criteria provided, single submitter. Criteria: Invitae Variant Classification Sherloc (09022015). Collection method: clinical testing. Allele origin: germline.
Comment: This sequence change replaces arginine, which is basic and polar, with tryptophan, which is neutral and slightly polar, at codon 981 of the ARMC4 protein (p.Arg981Trp). This variant is present in population databases (rs143072735, gnomAD 0.02%). This variant has not been reported in the literature in individuals affected with ARMC4-related conditions. ClinVar contains an entry for this variant (Variation ID: 1005833). Algorithms developed to predict the effect of missense changes on protein structure and function are either unavailable or do not agree on the potential impact of this missense change (SIFT: "Deleterious"; PolyPhen-2: "Probably Damaging"; Align-GVGD: "Class C0"). In summary, the available evidence is currently insufficient to determine the role of this variant in disease. Therefore, it has been classified as a Variant of Uncertain Significance.

NM_018076.5(ODAD2):c.2941C>T (p.Arg981Trp)

Gene: ODAD2 (outer dynein arm docking complex subunit 2; minus strand). Cytogenetic location: 10p12.1.
Variant type: single nucleotide variant.
Coding change: c.2941C>T on transcript NM_018076.5 (MANE Select); coding-DNA position 2941, C replaced by T.
Protein change: p.Arg981Trp; replaces arginine 981 with tryptophan.
Molecular consequence: missense variant.
Genome position (GRCh38, 1-based): chr10:27,860,705, G>A on the plus strand (C>T on the coding strand, the complement: ODAD2 is on the minus strand). VCF-style: chr10-27860705-G-A. GRCh37 (hg19) VCF-style: chr10-28149634-G-A.
Other names: c.2941C>T, p.Arg981Trp (NM_001290020.2); c.1516C>T, p.Arg506Trp (NM_001290021.2); c.2017C>T, p.Arg673Trp (NM_001312689.2); short protein forms R506W, R673W, R981W.
Identifiers: ClinVar variation 1005833 (VCV001005833.9), dbSNP rs143072735, ClinGen allele CA5453061.